The following is an entry in ClinVar:

NM_001001331.4(ATP2B2):c.2765C>T (p.Ser922Leu)

Gene: ATP2B2 (ATPase plasma membrane Ca2+ transporting 2; minus strand). Cytogenetic location: 3p25.3.
Variant type: single nucleotide variant.
Coding change: c.2765C>T on transcript NM_001001331.4 (MANE Select); coding-DNA position 2765, C replaced by T.
Protein change: p.Ser922Leu; replaces serine 922 with leucine.
Molecular consequence: missense variant.
Genome position (GRCh38, 1-based): chr3:10,342,904, G>A on the plus strand (C>T on the coding strand, the complement: ATP2B2 is on the minus strand). VCF-style: chr3-10342904-G-A. GRCh37 (hg19) VCF-style: chr3-10384588-G-A.
Other names: c.2630C>T, p.Ser877Leu (NM_001330611.3, NM_001353564.1, NM_001363862.1 and 1 more transcripts); short protein forms S877L, S922L.
Identifiers: ClinVar variation 377533 (VCV000377533.11), dbSNP rs1057520233, ClinGen allele CA16604786.

ClinVar aggregate classification (germline): Conflicting classifications of pathogenicity. Review status: criteria provided, conflicting classifications (1 of 4 stars). 5 submissions from 5 submitters: Likely pathogenic (1); Uncertain significance (4). Last evaluated 2026-05-11.

Conditions:
ATP2B2-related Progressive hearing impairment.
ATP2B2-related disorder. Also called: ATP2B2-related condition.

Submissions (5):

PreventionGenetics, part of Exact Sciences
Classification: Uncertain significance for ATP2B2-related condition. Last evaluated: 2026-05-11. Review status: criteria provided, single submitter. Criteria: ACMG Guidelines, 2015. Collection method: clinical testing. Allele origin: germline.
Comment: The ATP2B2 c.2630C>T variant is predicted to result in the amino acid substitution p.Ser877Leu. To our knowledge, this variant has not been reported in the literature or in a large population database (gnomAD), indicating this variant is rare. At this time, the clinical significance of this variant is uncertain due to the absence of conclusive functional and genetic evidence.

GeneDx
Classification: Likely pathogenic. Last evaluated: 2023-06-08. Review status: criteria provided, single submitter. Criteria: GeneDx Variant Classification Process June 2021. Collection method: clinical testing. Allele origin: germline. Affected: yes.
Comment: Not observed at significant frequency in large population cohorts (gnomAD); In silico analysis supports that this missense variant has a deleterious effect on protein structure/function; Has not been previously published as pathogenic or benign to our knowledge

Labcorp Genetics (formerly Invitae), Labcorp
Classification: Uncertain significance. Last evaluated: 2021-12-03. Review status: criteria provided, single submitter. Criteria: Invitae Variant Classification Sherloc (09022015). Collection method: clinical testing. Allele origin: germline.
Comment: ClinVar contains an entry for this variant (Variation ID: 377533). This variant has not been reported in the literature in individuals affected with ATP2B2-related conditions. This variant is not present in population databases (gnomAD no frequency). This sequence change replaces serine, which is neutral and polar, with leucine, which is neutral and non-polar, at codon 877 of the ATP2B2 protein (p.Ser877Leu). Advanced modeling of protein sequence and biophysical properties (such as structural, functional, and spatial information, amino acid conservation, physicochemical variation, residue mobility, and thermodynamic stability) performed at Invitae indicates that this missense variant is expected to disrupt ATP2B2 protein function. In summary, the available evidence is currently insufficient to determine the role of this variant in disease. Therefore, it has been classified as a Variant of Uncertain Significance.

New York Genome Center
Classification: Uncertain significance for ATP2B2-related Progressive hearing impairment. Last evaluated: 2021-08-14. Review status: criteria provided, single submitter. Criteria: NYGC Assertion Criteria 2020. Collection method: clinical testing. Allele origin: de novo. Observed: 1 heterozygote. Study: CSER-NYCKidSeq.

Blueprint Genetics
Classification: Uncertain significance. Last evaluated: 2021-03-04. Review status: criteria provided, single submitter. Criteria: ACMG Guidelines, 2015. Collection method: clinical testing. Allele origin: germline.